The following is an entry in ClinVar:

ClinVar aggregate classification (germline): Uncertain significance (1 of 4 stars; one submission).

Submission:

GeneDx
Classification: Uncertain significance. Last evaluated: 2024-10-14. Review status: criteria provided, single submitter. Criteria: GeneDx Variant Classification Process June 2021. Collection method: clinical testing. Allele origin: germline. Affected: yes.
Comment: Not observed at significant frequency in large population cohorts (gnomAD); In-frame deletion of 14 amino acid(s) in a non-repeat region; In silico analysis supports a deleterious effect on protein structure/function; Has not been previously published as pathogenic or benign to our knowledge

NM_007118.4(TRIO):c.6894_6935del (p.Ser2299_Gly2312del)

Gene: TRIO (trio Rho guanine nucleotide exchange factor; plus strand). Cytogenetic location: 5p15.2.
Variant type: Deletion.
Coding change: c.6894_6935del on transcript NM_007118.4 (MANE Select); coding-DNA positions 6894 to 6935, 42 bases deleted.
Protein change: p.Ser2299_Gly2312del.
Molecular consequence: non-coding transcript variant (on NR_134469.2).
Genome position (GRCh38, 1-based): chr5:14,487,522-14,487,563, 42 bases deleted; deleting any 42 consecutive bases within chr5:14,487,509-14,487,563 gives the same sequence; the c. name uses the placement nearest the transcript's 3' end. GRCh37 (hg19): chr5:14,487,631-14,487,672.
Identifiers: ClinVar variation 3777345 (VCV003777345.1).
Genomic context (GRCh38, chr5:14,487,508, plus strand): 5'-CTGTCTTGTCTTACAGCCTTGACATCGCCAATCGAGTACCAGAGGAACCACAGCGGGGGC[GGCGGCGGCGGCGGCAGCGGGGGCAGCGGCGGGGGTGGGGGCA>G]GCGGCGGCGGCGGGGCCCCCAGTGGCGGCAGCGGCCACAGTGGCGGCCCCAGCAGCTGCG-3'